The following is an entry in ClinVar:

ClinVar aggregate classification (germline): Uncertain significance (1 of 4 stars; one submission).

Conditions:
Hereditary hemorrhagic telangiectasia (HHT). Also called: Osler hemorrhagic telangiectasia syndrome; ORW DISEASE; Osler Weber Rendu syndrome; OSLER-RENDU-WEBER DISEASE. Identifiers: Orphanet 774, MedGen C0039445, MONDO:0019180. Disease mechanism: loss of function.

Submission:

Labcorp Genetics (formerly Invitae), Labcorp
Classification: Uncertain significance for Hereditary hemorrhagic telangiectasia. Last evaluated: 2019-07-31. Review status: criteria provided, single submitter. Criteria: Invitae Variant Classification Sherloc (09022015). Collection method: clinical testing. Allele origin: germline.
Comment: This variant is not present in population databases (ExAC no frequency). This sequence change replaces serine with proline at codon 324 of the ENG protein (p.Ser324Pro). The serine residue is moderately conserved and there is a moderate physicochemical difference between serine and proline. This variant has not been reported in the literature in individuals with ENG-related conditions. In summary, the available evidence is currently insufficient to determine the role of this variant in disease. Therefore, it has been classified as a Variant of Uncertain Significance. Algorithms developed to predict the effect of missense changes on protein structure and function are either unavailable or do not agree on the potential impact of this missense change (SIFT: "Tolerated"; PolyPhen-2: "Probably Damaging"; Align-GVGD: "Class C0").

NM_001114753.3(ENG):c.970T>C (p.Ser324Pro)

Gene: ENG (endoglin; minus strand). Cytogenetic location: 9q34.11.
Variant type: single nucleotide variant.
Coding change: c.970T>C on transcript NM_001114753.3 (MANE Select); coding-DNA position 970, T replaced by C.
Protein change: p.Ser324Pro; replaces serine 324 with proline.
Molecular consequence: missense variant.
Genome position (GRCh38, 1-based): chr9:127,824,821, A>G on the plus strand (T>C on the coding strand, the complement: ENG is on the minus strand). VCF-style: chr9-127824821-A-G. GRCh37 (hg19) VCF-style: chr9-130587100-A-G.
Other names: c.970T>C, p.Ser324Pro (NM_000118.4, NM_001406715.1); c.424T>C, p.Ser142Pro (NM_001278138.2); short protein forms S142P, S324P.
Identifiers: ClinVar variation 955319 (VCV000955319.11), dbSNP rs1830566735, ClinGen allele CA374982011.
Genomic context (GRCh38, chr9:127,824,821, plus strand): 5'-GAGGGGAAGGGAAGGGAGGGGCAGGGGAAGGGTGCTCACCGCAGCTGGAGGCATGAAGTG[A>G]GACAATGCTGGCCAGCGGTAGCTCCACGAAGGATGCCACAATGCTGGCATTGAGCATCCG-3'
Protein context (NP_001108225.1, residues 314-334): FVELPLASIV[Ser324Pro]LHASSCGGRL